The following is an entry in ClinVar:

NM_001386140.1(MTTP):c.1867+2T>C

Gene: MTTP (microsomal triglyceride transfer protein; plus strand). Cytogenetic location: 4q23.
Variant type: single nucleotide variant.
Coding change: c.1867+2T>C on transcript NM_001386140.1 (MANE Select); the canonical splice donor site of the intron after coding-DNA position 1867, T replaced by C.
Molecular consequence: splice donor variant.
Genome position (GRCh38, 1-based): chr4:99,611,242, T>C. VCF-style: chr4-99611242-T-C. GRCh37 (hg19) VCF-style: chr4-100532399-T-C.
Other names: c.1867+2T>C (NM_000253.4); c.1618+2T>C (NM_001300785.2).
Identifiers: ClinVar variation 4817988 (VCV004817988.1).

ClinVar aggregate classification (germline): Likely pathogenic (1 of 4 stars; one submission).

Conditions:
Abetalipoproteinaemia (ABL). Also called: MTP DEFICIENCY; Abetalipoproteinemia; Abetalipoproteinemia neuropathy; Apolipoprotein B deficiency; Congenital betalipoprotein deficiency syndrome. Identifiers: Orphanet 14, MedGen C0000744, MONDO:0008692, OMIM 200100, HP:0008181.

Submission:

Natera, Inc.
Classification: Likely pathogenic for Abetalipoproteinemia. Last evaluated: 2024-05-24. Review status: criteria provided, single submitter. Criteria: Natera Variant Classification Schema (03/2026). Collection method: clinical testing. Allele origin: germline.
Comment: The c.1867+2T>C variant in MTTP is a canonical splice donor site variant predicted to affect pre-mRNA splicing, which may result in an abnormal transcript and altered protein product. This variant is expected to result in nonsense mediated decay, truncation, or a dysfunctional protein product. This variant is rare in the general population with a frequency below the threshold expected for the associated phenotype(s). Given the available evidence, this variant is classified as Likely Pathogenic.